The following is an entry in ClinVar:

ClinVar aggregate classification (germline): Likely benign (1 of 4 stars; one submission).

Allele frequency attached by ClinVar (database versions not stated): gnomAD exomes below 0.00001.
gnomAD v4.1: 1 of 1,614,048 alleles (0.000062%); highest among the groups gnomAD compares: South Asian, 0.0011%; no homozygotes.

Submission:

CeGaT Center for Human Genetics Tuebingen
Classification: Likely benign. Last evaluated: 2024-07-01. Review status: criteria provided, single submitter. Criteria: CeGaT Center For Human Genetics Tuebingen Variant Classification Criteria Version 2. Collection method: clinical testing. Allele origin: germline. Affected: yes. Observed: 1 variant allele.
Comment: KMT2C: PM2:Supporting, BP4, BP7

NM_170606.3(KMT2C):c.456A>G (p.Gln152=)

Gene: KMT2C (lysine methyltransferase 2C; minus strand). Cytogenetic location: 7q36.1.
Variant type: single nucleotide variant.
Coding change: c.456A>G on transcript NM_170606.3 (MANE Select); coding-DNA position 456, A replaced by G.
Protein change: p.Gln152=; no amino-acid change (glutamine 152 retained).
Molecular consequence: synonymous variant.
Genome position (GRCh38, 1-based): chr7:152,315,272, T>C on the plus strand (A>G on the coding strand, the complement: KMT2C is on the minus strand). VCF-style: chr7-152315272-T-C. GRCh37 (hg19) VCF-style: chr7-152012357-T-C.
Identifiers: ClinVar variation 3250921 (VCV003250921.18), dbSNP rs2129202646.
Genomic context (GRCh38, chr7:152,315,272, plus strand): 5'-GTCCTTCTTGTTAGAAGGTTGGTTTCTCCATGGCAAGATAAATCCAGGCGTTATTCTGAA[T>C]TGTTTTAAGTCTCCTTGTCCTAAGGAACTTTTTTCCCCACAGTAACAAAAAGCGCAGAGC-3'
Protein context (NP_733751.2, residues 142-162): KSSLGQGDLK[Gln152=]FRITPGFILP